The following is an entry in ClinVar:

NM_004484.4(GPC3):c.896A>C (p.Tyr299Ser)

Gene: GPC3 (glypican 3; minus strand). Cytogenetic location: Xq26.2.
Variant type: single nucleotide variant.
Coding change: c.896A>C on transcript NM_004484.4 (MANE Select); coding-DNA position 896, A replaced by C.
Protein change: p.Tyr299Ser; replaces tyrosine 299 with serine.
Molecular consequence: missense variant.
Genome position (GRCh38, 1-based): chrX:133,753,618, T>G on the plus strand (A>C on the coding strand, the complement: GPC3 is on the minus strand). VCF-style: chrX-133753618-T-G. GRCh37 (hg19) VCF-style: chrX-132887645-T-G.
Other names: c.896A>C, p.Tyr299Ser (NM_001164617.2); c.848A>C, p.Tyr283Ser (NM_001164618.2); c.734A>C, p.Tyr245Ser (NM_001164619.2); short protein forms Y245S, Y283S, Y299S.
Identifiers: ClinVar variation 2726569 (VCV002726569.3), dbSNP rs2071690786, ClinGen allele CA414705349.
Genomic context (GRCh38, chrX:133,753,618, plus strand): 5'-ACGTTCTCCATGTCATAGATTCTGTACATGCCATTCACAAGTTCTTCAAGGGACAGAATG[T>G]ATTCTCTCCAGTACTTGTCAATCTCCACCACACCTGCCATACAGCCTTGCATGACCACAT-3'
Protein context (NP_004475.1, residues 289-309): VVEIDKYWRE[Tyr299Ser]ILSLEELVNG

ClinVar aggregate classification (germline): Uncertain significance (1 of 4 stars; one submission).

Conditions:
Wilms tumor 1 (WT1). Also called: Wilms tumor, somatic. Identifiers: Orphanet 654, MedGen CN033288, MONDO:0008679, OMIM 194070.

Submission:

Labcorp Genetics (formerly Invitae), Labcorp
Classification: Uncertain significance for Wilms tumor 1. Last evaluated: 2023-10-03. Review status: criteria provided, single submitter. Criteria: Invitae Variant Classification Sherloc (09022015). Collection method: clinical testing. Allele origin: germline.
Comment: This sequence change replaces tyrosine, which is neutral and polar, with serine, which is neutral and polar, at codon 299 of the GPC3 protein (p.Tyr299Ser). This variant is not present in population databases (gnomAD no frequency). This variant has not been reported in the literature in individuals affected with GPC3-related conditions. Advanced modeling of protein sequence and biophysical properties (such as structural, functional, and spatial information, amino acid conservation, physicochemical variation, residue mobility, and thermodynamic stability) performed at Invitae indicates that this missense variant is expected to disrupt GPC3 protein function. In summary, the available evidence is currently insufficient to determine the role of this variant in disease. Therefore, it has been classified as a Variant of Uncertain Significance.